The following is an entry in ClinVar:

NM_183357.3(ADCY5):c.1883G>A (p.Arg628His)

Gene: ADCY5 (adenylate cyclase 5; minus strand). Cytogenetic location: 3q21.1.
Variant type: single nucleotide variant.
Coding change: c.1883G>A on transcript NM_183357.3 (MANE Select); coding-DNA position 1883, G replaced by A.
Protein change: p.Arg628His; replaces arginine 628 with histidine.
Molecular consequence: missense variant.
Genome position (GRCh38, 1-based): chr3:123,327,682, C>T on the plus strand (G>A on the coding strand, the complement: ADCY5 is on the minus strand). VCF-style: chr3-123327682-C-T. GRCh37 (hg19) VCF-style: chr3-123046529-C-T.
Other names: c.1883G>A, p.Arg628His (NM_001378259.1); c.833G>A, p.Arg278His (NM_001199642.1); short protein forms R278H, R628H.
Identifiers: ClinVar variation 3068694 (VCV003068694.1), dbSNP rs776576667, ClinGen allele CA2577340.

ClinVar aggregate classification (germline): Uncertain significance (1 of 4 stars; one submission).

Conditions:
Dyskinesia with orofacial involvement, autosomal dominant (DSKOD). Also called: Familial dyskinesia and facial myokymia; Dyskinesia, familial, with facial myokymia; Familial Dyskinesia with Facial Myokymia (FDFM). Identifiers: Orphanet 324588, MedGen C1847627, MONDO:0800028, OMIM 606703.

Allele frequency attached by ClinVar (database versions not stated): TOPMed below 0.00001; ExAC 0.00001; gnomAD 0.00001; gnomAD exomes 0.00001.
gnomAD v4.1: 17 of 1,613,976 alleles (0.0011%); highest among the groups gnomAD compares: Non-Finnish European, 0.0014%; no homozygotes.

Submission:

Molecular Genetics, Royal Melbourne Hospital
Classification: Uncertain significance for Dyskinesia with orofacial involvement, autosomal dominant. Last evaluated: 2023-09-04. Review status: criteria provided, single submitter. Criteria: ACMG Guidelines, 2015. Collection method: clinical testing. Allele origin: germline. Inheritance: Autosomal dominant inheritance. Affected: yes.
Comment: This sequence change in ADCY5 is predicted to replace arginine with histidine at codon 628, p.(Arg628His). The arginine residue is highly conserved (100 vertebrates, UCSC), and is located in the cytoplasmic region. There is a small physicochemical difference between arginine and histidine. The highest population minor allele frequency in the population database gnomAD v2.1 is 0.004% (2/129,034 alleles) in the European (non-Finnish) population. To our knowledge, this variant has not been previously reported in the relevant scientific literature or databases. Computational evidence predicts a deleterious effect for the missense substitution (REVEL = 0.878). Based on the classification scheme RMH Modified ACMG/AMP Guidelines v1.6.1, this variant is classified as a VARIANT OF UNCERTAIN SIGNIFICANCE. Following criteria are met: PP3